The following is an entry in ClinVar:

ClinVar aggregate classification (germline): Uncertain significance (1 of 4 stars; one submission).

Allele frequency attached by ClinVar (database versions not stated): gnomAD exomes below 0.00001 and 0.00001; ExAC 0.00001; TOPMed 0.00002; gnomAD 0.00003.

Submission:

Labcorp Genetics (formerly Invitae), Labcorp
Classification: Uncertain significance. Last evaluated: 2026-01-17. Review status: criteria provided, single submitter. Criteria: Invitae Variant Classification Sherloc (09022015). Collection method: clinical testing. Allele origin: germline.
Comment: This variant, c.724_735del, results in the deletion of 4 amino acid(s) of the TNFRSF6B protein (p.Trp242_Thr245del), but otherwise preserves the integrity of the reading frame. This variant is present in population databases (rs767910637, gnomAD 0.002%). This variant has not been reported in the literature in individuals affected with TNFRSF6B-related conditions. ClinVar contains an entry for this variant (Variation ID: 1408392). Experimental studies and prediction algorithms are not available or were not evaluated, and the functional significance of this variant is currently unknown. In summary, the available evidence is currently insufficient to determine the role of this variant in disease. Therefore, it has been classified as a Variant of Uncertain Significance.

NM_003823.4(TNFRSF6B):c.724_735del (p.Trp242_Thr245del)

Genes: RTEL1-TNFRSF6B (RTEL1-TNFRSF6B readthrough (NMD candidate); plus strand), TNFRSF6B (TNF receptor superfamily member 6b; plus strand). Cytogenetic location: 20q13.33.
Variant type: Deletion.
Coding change: c.724_735del on transcript NM_003823.4 (MANE Select); coding-DNA positions 724 to 735, 12 bases deleted (TGGGGTCCGACA).
Protein change: p.Trp242_Thr245del.
Molecular consequence: inframe deletion. On other transcripts: non-coding transcript variant (1).
Genome position (GRCh38, 1-based): chr20:63,698,384-63,698,395, TGGGGTCCGACA deleted. VCF-style (leftmost placement, unchanged base first): chr20-63698383-CTGGGGTCCGACA-C. GRCh37 (hg19) VCF-style: chr20-62329736-CTGGGGTCCGACA-C.
Identifiers: ClinVar variation 1408392 (VCV001408392.7), dbSNP rs767910637, ClinGen allele CA9966576.